The following is an entry in ClinVar:

ClinVar aggregate classification (germline): Benign. Review status: criteria provided, multiple submitters, no conflicts (2 of 4 stars). 8 submissions from 8 submitters: Benign (6). 2 of the submissions do not count toward it. Last evaluated 2026-02-04.

Conditions:
LARS2-related disorder. Also called: LARS2-related condition.

Allele frequency attached by ClinVar (database versions not stated): gnomAD exomes 0.00114 and 0.00292; ExAC 0.00361; gnomAD 0.01105 and 0.01189; TOPMed 0.01257; 1000 Genomes Project 0.01318; 1000 Genomes Project 30x 0.01327; ESP Exome Variant Server 0.01384.
gnomAD v4.1: 3,435 of 1,614,064 alleles (0.21%); highest among the groups gnomAD compares: African/African-American, 4%; 62 homozygotes.

Submissions (8):

Labcorp Genetics (formerly Invitae), Labcorp
Classification: Benign. Last evaluated: 2026-02-04. Review status: criteria provided, single submitter. Criteria: Invitae Variant Classification Sherloc (09022015). Collection method: clinical testing. Allele origin: germline.

ARUP Laboratories, Molecular Genetics and Genomics, ARUP Laboratories
Classification: Benign. Last evaluated: 2023-11-06. Review status: criteria provided, single submitter. Criteria: ARUP Molecular Germline Variant Investigation Process 2024. Collection method: clinical testing. Allele origin: germline.

Athena Diagnostics
Classification: Benign. Last evaluated: 2018-05-25. Review status: criteria provided, single submitter. Criteria: Athena Diagnostics Criteria. Collection method: clinical testing. Allele origin: germline.

GeneDx
Classification: Benign. Last evaluated: 2016-05-03. Review status: criteria provided, single submitter. Criteria: GeneDx Variant Classification (06012015). Collection method: clinical testing. Allele origin: germline. Affected: yes.
Comment: This variant is considered likely benign or benign based on one or more of the following criteria: it is a conservative change, it occurs at a poorly conserved position in the protein, it is predicted to be benign by multiple in silico algorithms, and/or has population frequency not consistent with disease.

Laboratory for Molecular Medicine, Mass General Brigham Personalized Medicine
Classification: Benign. Last evaluated: 2014-11-24. Review status: criteria provided, single submitter. Criteria: LMM Criteria. Collection method: clinical testing. Allele origin: germline. Observed: 6 variant alleles.
Comment: Ser708Ser in exon 18 of LARS2: This variant is not expected to have clinical sig nificance because it does not alter an amino acid residue and is not located wit hin the splice consensus sequence. It has been identified in 4.1% (179/4406) of African American chromosomes from a broad population by the NHLBI Exome Sequenci ng Project (dbSNP rs34459812).

Breakthrough Genomics
Classification: Benign. Review status: criteria provided, single submitter. Criteria: ACMG Guidelines, 2015. Collection method: not provided. Allele origin: germline. Inheritance: Autosomal recessive inheritance. Affected: yes.

PreventionGenetics, part of Exact Sciences
Classification: Benign for LARS2-related condition. Last evaluated: 2019-07-22. Review status: no assertion criteria provided. Collection method: clinical testing. Allele origin: germline. Not counted in ClinVar's aggregate classification.
Comment: This variant is classified as benign based on ACMG/AMP sequence variant interpretation guidelines (Richards et al. 2015 PMID: 25741868, with internal and published modifications).

Mayo Clinic Laboratories, Mayo Clinic
Classification: Benign. Last evaluated: 2017-09-15. Review status: no assertion criteria provided. Collection method: clinical testing. Allele origin: unknown. Not counted in ClinVar's aggregate classification.

NM_015340.4(LARS2):c.2124T>C (p.Ser708=)

Gene: LARS2 (leucyl-tRNA synthetase 2, mitochondrial; plus strand). Cytogenetic location: 3p21.31.
Variant type: single nucleotide variant.
Coding change: c.2124T>C on transcript NM_015340.4 (MANE Select); coding-DNA position 2124, T replaced by C.
Protein change: p.Ser708=; no amino-acid change (serine 708 retained).
Molecular consequence: synonymous variant.
Genome position (GRCh38, 1-based): chr3:45,517,982, T>C. VCF-style: chr3-45517982-T-C. GRCh37 (hg19) VCF-style: chr3-45559474-T-C.
Other names: c.2124T>C, p.Ser708= (NM_001368263.1).
Identifiers: ClinVar variation 226699 (VCV000226699.20), dbSNP rs34459812, ClinGen allele CA2349779.